The following is an entry in ClinVar:

ClinVar aggregate classification (germline): Benign/Likely benign. Review status: criteria provided, multiple submitters, no conflicts (2 of 4 stars). 9 submissions from 9 submitters: Benign (1); Likely benign (8). Last evaluated 2026-01-27.

Conditions:
Cardiovascular phenotype. Identifiers: MedGen CN230736.
Catecholaminergic polymorphic ventricular tachycardia (CVPT). Also called: Catecholamine-induced polymorphic ventricular tachycardia. Identifiers: Orphanet 3286, MedGen C5574922, MONDO:0017990.
Cardiomyopathy (CMYO). Also called: Cardiomyopathies. Identifiers: Orphanet 167848, MedGen C0878544, MONDO:0004994, HP:0001638. Inheritance: Various modes of inheritance.
Catecholaminergic polymorphic ventricular tachycardia 1. Also called: RYR2-Related Catecholaminergic Polymorphic Ventricular Tachycardia; VENTRICULAR TACHYCARDIA, CATECHOLAMINERGIC POLYMORPHIC, 1, WITH OR WITHOUT ATRIAL DYSFUNCTION AND/OR DILATED CARDIOMYOPATHY; VENTRICULAR TACHYCARDIA, STRESS-INDUCED POLYMORPHIC 1. Identifiers: Orphanet 3286, MedGen C1631597, MONDO:0011484, OMIM 604772.

Allele frequency attached by ClinVar (database versions not stated): gnomAD exomes 0.00003 and 0.00008; ExAC 0.00005; TOPMed 0.00006; gnomAD 0.00013; 1000 Genomes Project 0.00060; 1000 Genomes Project 30x 0.00062.
gnomAD v4.1: 108 of 1,613,712 alleles (0.0067%); highest among the groups gnomAD compares: Admixed American, 0.11%; 1 homozygote.

Submissions (9):

Labcorp Genetics (formerly Invitae), Labcorp
Classification: Likely benign for Catecholaminergic polymorphic ventricular tachycardia 1. Last evaluated: 2026-01-27. Review status: criteria provided, single submitter. Criteria: Invitae Variant Classification Sherloc (09022015). Collection method: clinical testing. Allele origin: germline.

Mayo Clinic Laboratories, Mayo Clinic
Classification: Likely benign. Last evaluated: 2025-06-26. Review status: criteria provided, single submitter. Criteria: ACMG Guidelines, 2015. Collection method: clinical testing. Allele origin: germline. Observed: 1 variant allele.
Comment: BP4, BP7

All of Us Research Program, National Institutes of Health
Classification: Likely benign for Catecholaminergic polymorphic ventricular tachycardia. Last evaluated: 2024-02-05. Review status: criteria provided, single submitter. Criteria: ACMG Guidelines, 2015. Collection method: clinical testing. Allele origin: germline. Inheritance: Autosomal dominant inheritance. Observed: 43 variant alleles, 42 heterozygotes, 1 homozygote.
Comment: This study involves interpretation of variants in research participants for the purpose of population health screening. Participant phenotype was not available at the time of variant classification. Additional details can be found in publication PMID: 35346344, PMCID: PMC8962531

Blueprint Genetics
Classification: Likely benign. Last evaluated: 2022-07-26. Review status: criteria provided, single submitter. Criteria: ACMG Guidelines, 2015. Collection method: clinical testing. Allele origin: germline.

GeneDx
Classification: Likely benign. Last evaluated: 2019-12-30. Review status: criteria provided, single submitter. Criteria: GeneDx Variant Classification Process June 2021. Collection method: clinical testing. Allele origin: germline. Affected: yes.

Women's Health and Genetics/Laboratory Corporation of America, LabCorp
Classification: Benign. Last evaluated: 2019-10-28. Review status: criteria provided, single submitter. Criteria: LabCorp Variant Classification Summary - May 2015. Collection method: clinical testing. Allele origin: germline.

Ambry Genetics
Classification: Likely benign for Cardiovascular phenotype. Last evaluated: 2019-09-27. Review status: criteria provided, single submitter. Criteria: Ambry Variant Classification Scheme 2023. Collection method: clinical testing. Allele origin: germline.

Color Diagnostics, LLC DBA Color Health
Classification: Likely benign for Cardiomyopathy. Last evaluated: 2018-12-13. Review status: criteria provided, single submitter. Criteria: ACMG Guidelines, 2015. Collection method: clinical testing. Allele origin: germline.

CHEO Genetics Diagnostic Laboratory, Children's Hospital of Eastern Ontario
Classification: Likely benign for Cardiomyopathy. Last evaluated: 2017-06-12. Review status: criteria provided, single submitter. Criteria: ACMG Guidelines, 2015. Collection method: clinical testing. Allele origin: germline. Study: Canadian Open Genetics Repository.

NM_001035.3(RYR2):c.7062C>T (p.Ala2354=)

Gene: RYR2 (ryanodine receptor 2; plus strand). Cytogenetic location: 1q43.
Variant type: single nucleotide variant.
Coding change: c.7062C>T on transcript NM_001035.3 (MANE Select); coding-DNA position 7062, C replaced by T.
Protein change: p.Ala2354=; no amino-acid change (alanine 2354 retained).
Molecular consequence: synonymous variant.
Genome position (GRCh38, 1-based): chr1:237,639,148, C>T. VCF-style: chr1-237639148-C-T. GRCh37 (hg19) VCF-style: chr1-237802448-C-T.
Other names: p.Ala2354=; c.7062C>T, p.Ala2354= (LRG_402t1).
Identifiers: ClinVar variation 412821 (VCV000412821.24), dbSNP rs182038403, ClinGen allele CA087271.
Genomic context (GRCh38, chr1:237,639,148, plus strand): 5'-TTTGAGAGGAGAAGGTGGGAATGGGCTTCTTGCAGCAATGGAAGAAGCCATCAAAATCGC[C>T]GAGGATCCTTCCCGAGATGGTCCCTCACCAAATAGCGGATCCAGTAAAACACTGTAGGTC-3'
Protein context (NP_001026.2, residues 2344-2364): LAAMEEAIKI[Ala2354=]EDPSRDGPSP